The following is an entry in ClinVar:

NM_004006.3(DMD):c.9193A>G (p.Ile3065Val)

Gene: DMD (dystrophin; minus strand). Cytogenetic location: Xp21.2.
Variant type: single nucleotide variant.
Coding change: c.9193A>G on transcript NM_004006.3 (MANE Select); coding-DNA position 9193, A replaced by G.
Protein change: p.Ile3065Val; replaces isoleucine 3065 with valine.
Molecular consequence: missense variant.
Genome position (GRCh38, 1-based): chrX:31,323,629, T>C on the plus strand (A>G on the coding strand, the complement: DMD is on the minus strand). VCF-style: chrX-31323629-T-C. GRCh37 (hg19) VCF-style: chrX-31341746-T-C.
Other names: c.9169A>G, p.Ile3057Val (NM_000109.4); c.9181A>G, p.Ile3061Val (NM_004009.3); c.8824A>G, p.Ile2942Val (NM_004010.3); c.5170A>G, p.Ile1724Val (NM_004011.4); c.5161A>G, p.Ile1721Val (NM_004012.4); c.1813A>G, p.Ile605Val (NM_004013.3, NM_004020.4, NM_004021.3 and 2 more transcripts); c.1006A>G, p.Ile336Val (NM_004014.3); short protein forms I3065V, I1721V, I1724V, I2942V, I336V, I3057V, I3061V, I605V.
Identifiers: ClinVar variation 1969254 (VCV001969254.5), dbSNP rs1287477146, ClinGen allele CA412651663.

ClinVar aggregate classification (germline): Uncertain significance (1 of 4 stars; one submission).

Conditions:
Duchenne muscular dystrophy (DMD). Also called: MUSCULAR DYSTROPHY, PSEUDOHYPERTROPHIC PROGRESSIVE, DUCHENNE TYPE; Duchenne Muscular Dystrophy (DMD). Identifiers: Orphanet 98896, MedGen C0013264, MONDO:0010679, OMIM 310200.

Allele frequency attached by ClinVar (database versions not stated): gnomAD exomes below 0.00001; gnomAD 0.00001.
gnomAD v4.1: 2 of 1,208,755 alleles (0.00017%); highest among the groups gnomAD compares: Non-Finnish European, 0.00011%; no homozygotes.

Submission:

Labcorp Genetics (formerly Invitae), Labcorp
Classification: Uncertain significance for Duchenne muscular dystrophy. Last evaluated: 2025-07-31. Review status: criteria provided, single submitter. Criteria: Invitae Variant Classification Sherloc (09022015). Collection method: clinical testing. Allele origin: germline.
Comment: This sequence change replaces isoleucine, which is neutral and non-polar, with valine, which is neutral and non-polar, at codon 3065 of the DMD protein (p.Ile3065Val). This variant is present in population databases (no rsID available, gnomAD 0.04%). This variant has not been reported in the literature in individuals affected with DMD-related conditions. ClinVar contains an entry for this variant (Variation ID: 1969254). Invitae Evidence Modeling of protein sequence and biophysical properties (such as structural, functional, and spatial information, amino acid conservation, physicochemical variation, residue mobility, and thermodynamic stability) indicates that this missense variant is not expected to disrupt DMD protein function with a negative predictive value of 95%. In summary, the available evidence is currently insufficient to determine the role of this variant in disease. Therefore, it has been classified as a Variant of Uncertain Significance.